The following is an entry in ClinVar:

NM_002691.4(POLD1):c.1137+1G>T

Gene: POLD1 (DNA polymerase delta 1, catalytic subunit; plus strand). Cytogenetic location: 19q13.33.
Variant type: single nucleotide variant.
Coding change: c.1137+1G>T on transcript NM_002691.4 (MANE Select); the canonical splice donor site of the intron after coding-DNA position 1137, G replaced by T.
Molecular consequence: splice donor variant.
Genome position (GRCh38, 1-based): chr19:50,403,220, G>T. VCF-style: chr19-50403220-G-T. GRCh37 (hg19) VCF-style: chr19-50906477-G-T.
Other names: c.1137+1G>T (NM_001256849.1, NM_001438212.1, NM_001438213.1 and 3 more transcripts).
Identifiers: ClinVar variation 4841596 (VCV004841596.1).

ClinVar aggregate classification (germline): Uncertain significance (1 of 4 stars; one submission).

Conditions:
Hereditary cancer-predisposing syndrome. Also called: Neoplastic Syndromes, Hereditary; Tumor predisposition; Hereditary Cancer Syndrome; Hereditary neoplastic syndrome. Identifiers: Orphanet 140162, MedGen C0027672, MeSH D009386, MONDO:0015356.

Submission:

Ambry Genetics
Classification: Uncertain significance for Hereditary cancer-predisposing syndrome. Last evaluated: 2025-12-29. Review status: criteria provided, single submitter. Criteria: Ambry Variant Classification Scheme 2023. Collection method: clinical testing. Allele origin: germline.
Comment: The c.1137+1G>T intronic variant results from a G to T substitution one nucleotide after coding exon 8 of the POLD1 gene. This nucleotide position is highly conserved in available vertebrate species. Alterations that disrupt the canonical splice site are expected to cause aberrant splicing, resulting in an abnormal protein or a transcript that is subject to nonsense-mediated mRNA decay. However, loss of function has not been established as a mechanism of disease. Based on the available evidence, the clinical significance of this alteration remains unclear.